The following is an entry in ClinVar:

NM_000352.6(ABCC8):c.401A>G (p.Lys134Arg)

Gene: ABCC8 (ATP binding cassette subfamily C member 8; minus strand). Cytogenetic location: 11p15.1.
Variant type: single nucleotide variant.
Coding change: c.401A>G on transcript NM_000352.6 (MANE Select); coding-DNA position 401, A replaced by G.
Protein change: p.Lys134Arg; replaces lysine 134 with arginine.
Molecular consequence: missense variant. On other transcripts: non-coding transcript variant (1).
Genome position (GRCh38, 1-based): chr11:17,470,112, T>C on the plus strand (A>G on the coding strand, the complement: ABCC8 is on the minus strand). VCF-style: chr11-17470112-T-C. GRCh37 (hg19) VCF-style: chr11-17491659-T-C.
Other names: c.401A>G, p.Lys134Arg (NM_001287174.3, NM_001351295.2, NM_001351296.2 and 1 more transcripts); short protein forms K134R.
Identifiers: ClinVar variation 4848317 (VCV004848317.1).
Genomic context (GRCh38, chr11:17,470,112, plus strand): 5'-CTGAAGAAATGAATGAAGGTACTGCCCCTCCCTCCTACACCTCACCTACCAATTAGCAGC[T>C]TGGGGAAGTTGGAAGTCTCGATGTTGTGATAGTAGACCACGGAGGTGACAGCAGCCATGA-3'
Protein context (NP_000343.2, residues 124-144): YHNIETSNFP[Lys134Arg]LLIALLVYWT

ClinVar aggregate classification (germline): Uncertain significance (1 of 4 stars; one submission).

gnomAD v4.1: 21 of 1,613,998 alleles (0.0013%); highest among the groups gnomAD compares: Non-Finnish European, 0.0017%; no homozygotes.

Submission:

Women's Health and Genetics/Laboratory Corporation of America, LabCorp
Classification: Uncertain significance. Last evaluated: 2026-02-17. Review status: criteria provided, single submitter. Criteria: LabCorp Variant Classification Summary - May 2015. Collection method: clinical testing. Allele origin: germline.
Comment: Variant summary: ABCC8 c.401A>G (p.Lys134Arg) results in a conservative amino acid change in the encoded protein sequence. Algorithms developed to predict the effect of missense changes on protein structure and function are either unavailable or do not agree on the potential impact of this missense change. The variant allele was found at a frequency of 4e-06 in 251420 control chromosomes. The available data on variant occurrences in the general population are insufficient to allow any conclusion about variant significance. To our knowledge, no occurrence of c.401A>G in individuals affected with ABCC8-related conditions and no experimental evidence demonstrating its impact on protein function have been reported. No submitters have cited clinical-significance assessments for this variant to ClinVar. Based on the evidence outlined above, the variant was classified as uncertain significance.